The following is an entry in ClinVar:

NM_005359.6(SMAD4):c.542C>G (p.Thr181Ser)

Gene: SMAD4 (SMAD family member 4; plus strand). Cytogenetic location: 18q21.2.
Variant type: single nucleotide variant.
Coding change: c.542C>G on transcript NM_005359.6 (MANE Select); coding-DNA position 542, C replaced by G.
Protein change: p.Thr181Ser; replaces threonine 181 with serine.
Molecular consequence: missense variant.
Genome position (GRCh38, 1-based): chr18:51,054,868, C>G. VCF-style: chr18-51054868-C-G. GRCh37 (hg19) VCF-style: chr18-48581238-C-G.
Other names: short protein forms T181S.
Identifiers: ClinVar variation 1399419 (VCV001399419.11), dbSNP rs1909797937, ClinGen allele CA402460895.

ClinVar aggregate classification (germline): Uncertain significance. Review status: criteria provided, multiple submitters, no conflicts (2 of 4 stars). 4 submissions from 4 submitters: Uncertain significance (4). Last evaluated 2025-05-13.

Conditions:
Hereditary cancer-predisposing syndrome. Also called: Neoplastic Syndromes, Hereditary; Hereditary Cancer Syndrome; Hereditary neoplastic syndrome; Tumor predisposition. Identifiers: Orphanet 140162, MedGen C0027672, MeSH D009386, MONDO:0015356.
Familial thoracic aortic aneurysm and aortic dissection (TAAD). Also called: Thoracic aortic aneurysms and dissections. Identifiers: Orphanet 91387, MedGen C4707243, MONDO:0019625.
Myhre syndrome (MYHRS). Also called: LARYNGOTRACHEAL STENOSIS, ARTHROPATHY, PROGNATHISM, AND SHORT STATURE; LAPS SYNDROME. Identifiers: Orphanet 2588, MedGen C0796081, MONDO:0007688, OMIM 139210.
Juvenile polyposis syndrome (JPS). Identifiers: Orphanet 2929, MedGen C0345893, MONDO:0017380, OMIM 174900.
Juvenile polyposis/hereditary hemorrhagic telangiectasia syndrome (JPHT). Also called: Juvenile Polyposis Syndrome / Hereditary Hemorrhagic Telangiectasia (JPS/HHT); JP/HHT SYNDROME; JUVENILE POLYPOSIS WITH HEREDITARY HEMORRHAGIC TELANGIECTASIA; POLYPOSIS, GENERALIZED JUVENILE, WITH PULMONARY ARTERIOVENOUS MALFORMATION; TELANGIECTASIA, HEREDITARY HEMORRHAGIC, WITH JUVENILE POLYPOSIS COLI. Identifiers: Orphanet 2929, MedGen C1832942, MONDO:0008278, OMIM 175050.

Submissions (4):

Labcorp Genetics (formerly Invitae), Labcorp
Classification: Uncertain significance for Juvenile polyposis syndrome. Last evaluated: 2025-05-13. Review status: criteria provided, single submitter. Criteria: Invitae Variant Classification Sherloc (09022015). Collection method: clinical testing. Allele origin: germline.
Comment: This sequence change replaces threonine, which is neutral and polar, with serine, which is neutral and polar, at codon 181 of the SMAD4 protein (p.Thr181Ser). This variant is not present in population databases (gnomAD no frequency). This variant has not been reported in the literature in individuals affected with SMAD4-related conditions. ClinVar contains an entry for this variant (Variation ID: 1399419). Invitae Evidence Modeling of protein sequence and biophysical properties (such as structural, functional, and spatial information, amino acid conservation, physicochemical variation, residue mobility, and thermodynamic stability) has been performed for this missense variant. However, the output from this modeling did not meet the statistical confidence thresholds required to predict the impact of this variant on SMAD4 protein function. In summary, the available evidence is currently insufficient to determine the role of this variant in disease. Therefore, it has been classified as a Variant of Uncertain Significance.

Color Diagnostics, LLC DBA Color Health
Classification: Uncertain significance for Hereditary cancer-predisposing syndrome. Last evaluated: 2025-03-31. Review status: criteria provided, single submitter. Criteria: ACMG Guidelines, 2015. Collection method: clinical testing. Allele origin: germline.
Comment: This missense variant replaces threonine with serine at codon 181 of the SMAD4 protein. Computational prediction suggests that this variant may not impact protein structure and function. To our knowledge, functional studies have not been reported for this variant. This variant has been reported in an individual suspected of having Lynch syndrome (PMID: 25980754). This variant has not been identified in the general population by the Genome Aggregation Database (gnomAD). The available evidence is insufficient to determine the role of this variant in disease conclusively. Therefore, this variant is classified as a Variant of Uncertain Significance.

Baylor Genetics
Classification: Uncertain significance for Juvenile polyposis/hereditary hemorrhagic telangiectasia syndrome. Last evaluated: 2023-11-21. Review status: criteria provided, single submitter. Criteria: ACMG Guidelines, 2015. Collection method: clinical testing. Allele origin: unknown.

Ambry Genetics
Classification: Uncertain significance for Hereditary cancer-predisposing syndrome; Familial thoracic aortic aneurysm and aortic dissection. Last evaluated: 2022-06-22. Review status: criteria provided, single submitter. Criteria: Ambry Variant Classification Scheme 2023. Collection method: clinical testing. Allele origin: germline.
Comment: The p.T181S variant (also known as c.542C>G), located in coding exon 4 of the SMAD4 gene, results from a C to G substitution at nucleotide position 542. The threonine at codon 181 is replaced by serine, an amino acid with similar properties. This alteration was identified in a cohort of 1260 individuals undergoing panel testing for Lynch syndrome due to having a diagnosis of a Lynch-associated cancer and/or polyps (Yurgelun MB et al. Gastroenterology, 2015 Sep;149:604-13.e20). This amino acid position is highly conserved in available vertebrate species. In addition, the in silico prediction for this alteration is inconclusive. Since supporting evidence is limited at this time, the clinical significance of this alteration remains unclear.

Literature cited by the submitters: PubMed 25980754 (cited by Color Diagnostics, LLC DBA Color Health).